The following is an entry in ClinVar:

ClinVar aggregate classification (germline): Uncertain significance. Review status: criteria provided, multiple submitters, no conflicts (2 of 4 stars). 2 submissions from 2 submitters: Uncertain significance (2). Last evaluated 2024-09-23.

Conditions:
Inborn genetic diseases. Identifiers: MedGen C0950123, MeSH D030342.

gnomAD v4.1: 27 of 1,569,888 alleles (0.0017%); highest among the groups gnomAD compares: African/African-American, 0.0054%; no homozygotes.

Submissions (2):

Labcorp Genetics (formerly Invitae), Labcorp
Classification: Uncertain significance. Last evaluated: 2024-09-23. Review status: criteria provided, single submitter. Criteria: Invitae Variant Classification Sherloc (09022015). Collection method: clinical testing. Allele origin: germline.
Comment: This sequence change replaces valine, which is neutral and non-polar, with methionine, which is neutral and non-polar, at codon 701 of the DIP2C protein (p.Val701Met). This variant is present in population databases (rs200714569, gnomAD 0.02%). This variant has not been reported in the literature in individuals affected with DIP2C-related conditions. An algorithm developed to predict the effect of missense changes on protein structure and function (PolyPhen-2) suggests that this variant is likely to be disruptive. In summary, the available evidence is currently insufficient to determine the role of this variant in disease. Therefore, it has been classified as a Variant of Uncertain Significance.

Ambry Genetics
Classification: Uncertain significance for Inborn genetic diseases. Last evaluated: 2024-04-09. Review status: criteria provided, single submitter. Criteria: Ambry Variant Classification Scheme 2023. Collection method: clinical testing. Allele origin: germline.

NM_014974.3(DIP2C):c.2101G>A (p.Val701Met)

Gene: DIP2C (DIP2 acetate--CoA ligase C (putative); minus strand). Cytogenetic location: 10p15.3.
Variant type: single nucleotide variant.
Coding change: c.2101G>A on transcript NM_014974.3 (MANE Select); coding-DNA position 2101, G replaced by A.
Protein change: p.Val701Met; replaces valine 701 with methionine.
Molecular consequence: missense variant.
Genome position (GRCh38, 1-based): chr10:369,524, C>T on the plus strand (G>A on the coding strand, the complement: DIP2C is on the minus strand). VCF-style: chr10-369524-C-T. GRCh37 (hg19) VCF-style: chr10-415464-C-T.
Other names: c.2101G>A (NM_014974.2); short protein forms V701M.
Identifiers: ClinVar variation 2988058 (VCV002988058.4), dbSNP rs200714569, ClinGen allele CA5380591.